The following is an entry in ClinVar:

ClinVar aggregate classification (germline): Uncertain significance (1 of 4 stars; one submission).

Submission:

Women's Health and Genetics/Laboratory Corporation of America, LabCorp
Classification: Uncertain significance. Last evaluated: 2025-02-03. Review status: criteria provided, single submitter. Criteria: LabCorp Variant Classification Summary - May 2015. Collection method: clinical testing. Allele origin: germline.
Comment: Variant summary: ATP7B c.3263T>C (p.Leu1088Ser) results in a non-conservative amino acid change in the encoded protein sequence. Three of four in-silico tools predict a damaging effect of the variant on protein function. The variant was absent in 249552 control chromosomes. The available data on variant occurrences in the general population are insufficient to allow any conclusion about variant significance. c.3263T>C has been reported in the literature in individuals affected with Wilson Disease (Dong_2016, Zhang_2022). These reports do not provide unequivocal conclusions about association of the variant with Wilson Disease. To our knowledge, no experimental evidence demonstrating an impact on protein function has been reported. The following publications have been ascertained in the context of this evaluation (PMID: 30655162, 27022412, 34470610, 35220961). No submitters have cited clinical-significance assessments for this variant to ClinVar. Based on the evidence outlined above, the variant was classified as uncertain significance.

Literature cited by the submitters: PubMed 27022412; PubMed 34470610; PubMed 30655162; PubMed 35220961.

NM_000053.4(ATP7B):c.3263T>C (p.Leu1088Ser)

Gene: ATP7B (ATPase copper transporting beta; minus strand). Cytogenetic location: 13q14.3.
Variant type: single nucleotide variant.
Coding change: c.3263T>C on transcript NM_000053.4 (MANE Select); coding-DNA position 3263, T replaced by C.
Protein change: p.Leu1088Ser; replaces leucine 1088 with serine.
Molecular consequence: missense variant.
Genome position (GRCh38, 1-based): chr13:51,942,535, A>G on the plus strand (T>C on the coding strand, the complement: ATP7B is on the minus strand). VCF-style: chr13-51942535-A-G. GRCh37 (hg19) VCF-style: chr13-52516671-A-G.
Other names: c.2642T>C, p.Leu881Ser (NM_001005918.3); c.2930T>C, p.Leu977Ser (NM_001243182.2); c.3029T>C, p.Leu1010Ser (NM_001330578.2, NM_001406527.1, NM_001406528.1 and 1 more transcripts); c.3011T>C, p.Leu1004Ser (NM_001330579.2, NM_001406531.1, NM_001406532.1); c.3263T>C, p.Leu1088Ser (NM_001406511.1, NM_001406512.1, NM_001406526.1); c.3257T>C, p.Leu1086Ser (NM_001406513.1); c.3230T>C, p.Leu1077Ser (NM_001406514.1); c.3209T>C, p.Leu1070Ser (NM_001406515.1, NM_001406516.1); and 19 more; short protein forms L1004S, L1008S, L1010S, L1023S, L1027S, L1029S, L1040S, L1043S.
Identifiers: ClinVar variation 3768790 (VCV003768790.1).
Genomic context (GRCh38, chr13:51,942,535, plus strand): 5'-TTGCTGACTTTGCACCCAATTCCACAGCCTGGCACTGCCTGGAAGTCCGTGCAGTATCCC[A>G]AGGTCTCTGTTCCAAGTTCCTGGGAAGGTGGAAAGAGAGGAAGAGGAAACTGTAAGCCAA-3'
Protein context (NP_000044.2, residues 1078-1098): YCKEELGTET[Leu1088Ser]GYCTDFQAVP